The following is an entry in ClinVar:

NM_003709.4(KLF7):c.287A>C (p.Asp96Ala)

Gene: KLF7 (KLF transcription factor 7; minus strand). Cytogenetic location: 2q33.3.
Variant type: single nucleotide variant.
Coding change: c.287A>C on transcript NM_003709.4 (MANE Select); coding-DNA position 287, A replaced by C.
Protein change: p.Asp96Ala; replaces aspartic acid 96 with alanine.
Molecular consequence: missense variant.
Genome position (GRCh38, 1-based): chr2:207,124,220, T>G on the plus strand (A>C on the coding strand, the complement: KLF7 is on the minus strand). VCF-style: chr2-207124220-T-G. GRCh37 (hg19) VCF-style: chr2-207988944-T-G.
Other names: c.287A>C, p.Asp96Ala (NM_001270942.1); c.188A>C, p.Asp63Ala (NM_001270943.2); c.203A>C, p.Asp68Ala (NM_001270944.2); short protein forms D63A, D68A, D96A.
Identifiers: ClinVar variation 1710574 (VCV001710574.2), dbSNP rs2469211056, ClinGen allele CA350157851.
Genomic context (GRCh38, chr2:207,124,220, plus strand): 5'-CTGGCCGGCTGGAGGCTGAGGCAGGTCTCAGATAGCAACTTGTCCCGAGAGAGCAAGATG[T>G]CCACTGCCGAGCTCTTCTCACAGATGGCCGCTTCCACGGGGAGCAGCAGGGGGTCTAAGC-3'
Protein context (NP_003700.1, residues 86-106): AAICEKSSAV[Asp96Ala]ILLSRDKLLS

ClinVar aggregate classification (germline): Uncertain significance (1 of 4 stars; one submission).

Submission:

GeneDx
Classification: Uncertain significance. Last evaluated: 2022-04-15. Review status: criteria provided, single submitter. Criteria: GeneDx Variant Classification Process June 2021. Collection method: clinical testing. Allele origin: germline. Affected: yes.
Comment: Not observed at significant frequency in large population cohorts (gnomAD); In silico analysis supports that this missense variant has a deleterious effect on protein structure/function; Has not been previously published as pathogenic or benign to our knowledge